The following is an entry in ClinVar:

NM_012250.6(RRAS2):c.68G>C (p.Gly23Ala)

Genes: RRAS2 (RAS related 2; minus strand), LOC130005368 (ATAC-STARR-seq lymphoblastoid silent region 3172; plus strand). Cytogenetic location: 11p15.2.
Variant type: single nucleotide variant.
Coding change: c.68G>C on transcript NM_012250.6 (MANE Select); coding-DNA position 68, G replaced by C.
Protein change: p.Gly23Ala; replaces glycine 23 with alanine.
Molecular consequence: missense variant. On other transcripts: intron variant (1).
Genome position (GRCh38, 1-based): chr11:14,358,803, C>G on the plus strand (G>C on the coding strand, the complement: RRAS2 is on the minus strand). VCF-style: chr11-14358803-C-G. GRCh37 (hg19) VCF-style: chr11-14380349-C-G.
Other names: c.68G>C, p.Gly23Ala (NM_001440708.1); c.3+5588G>C (NM_001177314.2); short protein forms G23A.
Identifiers: ClinVar variation 4086462 (VCV004086462.1).

ClinVar aggregate classification (germline): Pathogenic (1 of 4 stars; one submission).

Submission:

GeneDx
Classification: Pathogenic. Last evaluated: 2025-03-17. Review status: criteria provided, single submitter. Criteria: GeneDx Variant Classification Process June 2021. Collection method: clinical testing. Allele origin: germline. Affected: yes.
Comment: Not observed at significant frequency in large population cohorts (gnomAD); In silico analysis supports that this missense variant has a deleterious effect on protein structure/function; Has not been previously published as a germline pathogenic variant or benign variant to our knowledge; This variant is associated with the following publications: (PMID: 27391150)